The following is an entry in ClinVar:

ClinVar aggregate classification (germline): Pathogenic (1 of 4 stars; one submission).

Conditions:
Carnitine acylcarnitine translocase deficiency (CACTD). Identifiers: Orphanet 159, MedGen C0342791, MONDO:0008918, OMIM 212138.

Submission:

Labcorp Genetics (formerly Invitae), Labcorp
Classification: Pathogenic for Carnitine acylcarnitine translocase deficiency. Last evaluated: 2022-12-23. Review status: criteria provided, single submitter. Criteria: Invitae Variant Classification Sherloc (09022015). Collection method: clinical testing. Allele origin: germline.
Comment: For these reasons, this variant has been classified as Pathogenic. This variant has not been reported in the literature in individuals affected with SLC25A20-related conditions. This variant is not present in population databases (gnomAD no frequency). This sequence change creates a premature translational stop signal (p.Gln139*) in the SLC25A20 gene. It is expected to result in an absent or disrupted protein product. Loss-of-function variants in SLC25A20 are known to be pathogenic (PMID: 25614308).

Literature cited by the submitters: PubMed 25614308.

NM_000387.6(SLC25A20):c.415C>T (p.Gln139Ter)

Gene: SLC25A20 (solute carrier family 25 member 20; minus strand). Cytogenetic location: 3p21.31.
Variant type: single nucleotide variant.
Coding change: c.415C>T on transcript NM_000387.6 (MANE Select); coding-DNA position 415, C replaced by T.
Protein change: p.Gln139Ter; replaces glutamine 139 with a stop codon.
Molecular consequence: nonsense.
Genome position (GRCh38, 1-based): chr3:48,879,360, G>A on the plus strand (C>T on the coding strand, the complement: SLC25A20 is on the minus strand). VCF-style: chr3-48879360-G-A. GRCh37 (hg19) VCF-style: chr3-48916793-G-A.
Other names: short protein forms Q139*.
Identifiers: ClinVar variation 2871198 (VCV002871198.3), dbSNP rs2471021115, ClinGen allele CA352632350.